The following is an entry in ClinVar:

NM_005236.3(ERCC4):c.2419C>A (p.His807Asn)

Gene: ERCC4 (ERCC excision repair 4, endonuclease catalytic subunit; plus strand). Cytogenetic location: 16p13.12.
Variant type: single nucleotide variant.
Coding change: c.2419C>A on transcript NM_005236.3 (MANE Select); coding-DNA position 2419, C replaced by A.
Protein change: p.His807Asn; replaces histidine 807 with asparagine.
Molecular consequence: missense variant.
Genome position (GRCh38, 1-based): chr16:13,948,015, C>A. VCF-style: chr16-13948015-C-A. GRCh37 (hg19) VCF-style: chr16-14041872-C-A.
Other names: short protein forms H807N.
Identifiers: ClinVar variation 2940298 (VCV002940298.3), dbSNP rs1003632156, ClinGen allele CA278485603.
Genomic context (GRCh38, chr16:13,948,015, plus strand): 5'-AAACTCACTCTTCTTACACTTCACTTCCCCAGACTACGGATTCTCTGGTGCCCCTCTCCT[C>A]ATGCAACGGCGGAGTTGTTTGAGGAGCTGAAACAAAGCAAGCCACAGCCTGATGCGGCGA-3'
Protein context (NP_005227.1, residues 797-817): RLRILWCPSP[His807Asn]ATAELFEELK

ClinVar aggregate classification (germline): Uncertain significance (1 of 4 stars; one submission).

Conditions:
Xeroderma pigmentosum, group F (XPF). Also called: XERODERMA PIGMENTOSUM, COMPLEMENTATION GROUP F; XERODERMA PIGMENTOSUM VI; XP, GROUP F; ERCC4-Related Xeroderma Pigmentosum; XERODERMA PIGMENTOSUM, TYPE F; Xeroderma pigmentosum, type 6. Identifiers: MedGen C0268140, MONDO:0010215, OMIM 278760.
Fanconi anemia complementation group Q. Identifiers: Orphanet 84, MedGen C3808988, MONDO:0014108, OMIM 615272.
Cockayne syndrome. Identifiers: Orphanet 191, MedGen C0009207, MONDO:0016006.

Allele frequency attached by ClinVar (database versions not stated): TOPMed 0.00003.

Submission:

Labcorp Genetics (formerly Invitae), Labcorp
Classification: Uncertain significance for Fanconi anemia complementation group Q; Xeroderma pigmentosum, group F; Cockayne syndrome. Last evaluated: 2022-12-24. Review status: criteria provided, single submitter. Criteria: Invitae Variant Classification Sherloc (09022015). Collection method: clinical testing. Allele origin: germline.
Comment: This variant is not present in population databases (gnomAD no frequency). This sequence change replaces histidine, which is basic and polar, with asparagine, which is neutral and polar, at codon 807 of the ERCC4 protein (p.His807Asn). This variant has not been reported in the literature in individuals affected with ERCC4-related conditions. Advanced modeling of protein sequence and biophysical properties (such as structural, functional, and spatial information, amino acid conservation, physicochemical variation, residue mobility, and thermodynamic stability) performed at Invitae indicates that this missense variant is expected to disrupt ERCC4 protein function. In summary, the available evidence is currently insufficient to determine the role of this variant in disease. Therefore, it has been classified as a Variant of Uncertain Significance.